The following is an entry in ClinVar:

ClinVar aggregate classification (germline): Pathogenic/Likely pathogenic. Review status: criteria provided, multiple submitters, no conflicts (2 of 4 stars). 4 submissions from 4 submitters: Pathogenic (2); Likely pathogenic (1). 1 of the submissions does not count toward it. Last evaluated 2025-11-21.

Conditions:
Bardet-Biedl syndrome (BBS). Identifiers: Orphanet 110, MedGen C0752166, MONDO:0015229.
BBS7-related disorder. Also called: BBS7-related condition.

Allele frequency attached by ClinVar (database versions not stated): TOPMed 0.00001; gnomAD exomes below 0.00001; gnomAD 0.00001.
gnomAD v4.1: 8 of 1,613,830 alleles (0.0005%); highest among the groups gnomAD compares: African/African-American, 0.0013%; no homozygotes.

Submissions (4):

PreventionGenetics, part of Exact Sciences
Classification: Likely pathogenic for BBS7-related condition. Last evaluated: 2025-11-21. Review status: criteria provided, single submitter. Criteria: ACMG Guidelines, 2015. Collection method: clinical testing. Allele origin: germline.
Comment: The BBS7 c.878A>C variant is predicted to result in the amino acid substitution p.Gln293Pro. This variant has been reported in both the homozygous and compound heterozygous state in individuals with Bardet-Biedl syndrome (BBS) (Janssen et al. 2011. PubMed ID: 21052717; Lindstrand et al. 2016. PubMed ID: 27486776). It was shown to segregate with BBS in one family (Lindstrand et al. 2016. PubMed ID: 27486776). This variant is reported in 0.0040% of alleles in individuals of African descent in gnomAD. This variant is interpreted as likely pathogenic.

Labcorp Genetics (formerly Invitae), Labcorp
Classification: Pathogenic for Bardet-Biedl syndrome. Last evaluated: 2025-02-23. Review status: criteria provided, single submitter. Criteria: Invitae Variant Classification Sherloc (09022015). Collection method: clinical testing. Allele origin: germline.
Comment: This sequence change replaces glutamine, which is neutral and polar, with proline, which is neutral and non-polar, at codon 293 of the BBS7 protein (p.Gln293Pro). This variant is present in population databases (no rsID available, gnomAD 0.004%). This missense change has been observed in individual(s) with Bardet-Biedl syndrome (PMID: 21052717, 27486776). In at least one individual the data is consistent with being in trans (on the opposite chromosome) from a pathogenic variant. It has also been observed to segregate with disease in related individuals. ClinVar contains an entry for this variant (Variation ID: 988240). Invitae Evidence Modeling of protein sequence and biophysical properties (such as structural, functional, and spatial information, amino acid conservation, physicochemical variation, residue mobility, and thermodynamic stability) indicates that this missense variant is expected to disrupt BBS7 protein function with a positive predictive value of 80%. For these reasons, this variant has been classified as Pathogenic.

Women's Health and Genetics/Laboratory Corporation of America, LabCorp
Classification: Pathogenic for Bardet-Biedl syndrome. Last evaluated: 2024-10-01. Review status: criteria provided, single submitter. Criteria: LabCorp Variant Classification Summary - May 2015. Collection method: clinical testing. Allele origin: germline.
Comment: Variant summary: BBS7 c.878A>C (p.Gln293Pro) results in a non-conservative amino acid change in the encoded protein sequence. Four of five in-silico tools predict a damaging effect of the variant on protein function. The variant allele was found at a frequency of 4e-06 in 251224 control chromosomes. c.878A>C has been reported in the literature in multiple homozygous and compound heterozygous individuals affected with Bardet-Biedl Syndrome and has been shown to segregate with the disease in affected family members (e.g., Janssen_2011, Lindstrand_2016, Putoux_2011). These data indicate that the variant is very likely to be associated with disease. To our knowledge, no experimental evidence demonstrating an impact on protein function has been reported. The following publications have been ascertained in the context of this evaluation (PMID: 21052717, 27486776, 21552264). ClinVar contains an entry for this variant (Variation ID: 988240). Based on the evidence outlined above, the variant was classified as pathogenic.

Sydney Genome Diagnostics, Children's Hospital Westmead
Classification: Likely pathogenic for Bardet-Biedl syndrome. Last evaluated: 2018-03-06. Review status: no assertion criteria provided. Collection method: clinical testing. Allele origin: unknown. Affected: yes. Observed: 1 variant allele, 1 compound heterozygote. Not counted in ClinVar's aggregate classification.
Comment: This variant (dbSNP: rs754579374) has been previously reported in trans with another BBS7 pathogenic variant in two siblings with Bardet-Biedl syndrome (BBS, Bin et al 2009 Hum Mutat 30:E737-E746). This variant has been reported in the Exome Aggregation Consortium (ExAC) database with an extremely low frequency (2 out of 120402 alleles). In silico analysis (through Alamut Visual v2.8.1) using PolyPhen2, SIFT and Mutation Taster all predict this variant to be a likely pathogenic variant. This variant is considered to be likely pathogenic according to the ACMG guidelines.

Literature cited by the submitters: PubMed 21052717 (cited by Labcorp Genetics (formerly Invitae), Labcorp and Women's Health and Genetics/Laboratory Corporation of America, LabCorp); PubMed 27486776 (cited by Labcorp Genetics (formerly Invitae), Labcorp and Women's Health and Genetics/Laboratory Corporation of America, LabCorp); PubMed 21552264 (cited by Women's Health and Genetics/Laboratory Corporation of America, LabCorp).

NM_176824.3(BBS7):c.878A>C (p.Gln293Pro)

Gene: BBS7 (Bardet-Biedl syndrome 7; minus strand). Cytogenetic location: 4q27.
Variant type: single nucleotide variant.
Coding change: c.878A>C on transcript NM_176824.3 (MANE Select); coding-DNA position 878, A replaced by C.
Protein change: p.Gln293Pro; replaces glutamine 293 with proline.
Molecular consequence: missense variant.
Genome position (GRCh38, 1-based): chr4:121,848,900, T>G on the plus strand (A>C on the coding strand, the complement: BBS7 is on the minus strand). VCF-style: chr4-121848900-T-G. GRCh37 (hg19) VCF-style: chr4-122770055-T-G.
Other names: c.878A>C, p.Gln293Pro (NM_018190.4); short protein forms Q293P.
Identifiers: ClinVar variation 988240 (VCV000988240.13), dbSNP rs889417696, ClinGen allele CA104764385.